The following is an entry in ClinVar:

ClinVar aggregate classification (germline): Pathogenic (1 of 4 stars; one submission).

Conditions:
Cholestanol storage disease (CTX). Also called: CTX: Cerebrotendinous xanthomatosis; CEREBRAL CHOLESTERINOSIS; Cerebrotendinous Xanthomatosis. Identifiers: Orphanet 909, MedGen C0238052, MONDO:0008948, OMIM 213700.

Submission:

Labcorp Genetics (formerly Invitae), Labcorp
Classification: Pathogenic for Cholestanol storage disease. Last evaluated: 2020-12-04. Review status: criteria provided, single submitter. Criteria: Invitae Variant Classification Sherloc (09022015). Collection method: clinical testing. Allele origin: germline.
Comment: This sequence change creates a premature translational stop signal (p.Arg448Profs*74) in the CYP27A1 gene. While this is not anticipated to result in nonsense mediated decay, it is expected to disrupt the last 84 amino acid(s) of the CYP27A1 protein. This variant is not present in population databases (ExAC no frequency). This variant has been observed in individual(s) with cerebrotendinous xanthomatosis(PMID: 29434128). This variant is also known as c.1342_1343insCACC. This variant disrupts the p.Arg479 amino acid residue in CYP27A1. Other variant(s) that disrupt this residue have been determined to be pathogenic (PMID: 29095540, 17444890, 2019602, 21073839, 24584636). This suggests that this residue is clinically significant, and that variants that disrupt this residue are likely to be disease-causing. For these reasons, this variant has been classified as Pathogenic.

Literature cited by the submitters: PubMed 29434128; PubMed 29095540; PubMed 17444890; PubMed 2019602; PubMed 21073839; PubMed 24584636.

NM_000784.4(CYP27A1):c.1339_1342dup (p.Arg448fs)

Gene: CYP27A1 (cytochrome P450 family 27 subfamily A member 1; plus strand). Cytogenetic location: 2q35.
Variant type: Duplication.
Coding change: c.1339_1342dup on transcript NM_000784.4 (MANE Select); coding-DNA positions 1339 to 1342, 4 bases duplicated (CACC; older notation c.1339_1342dupCACC).
Protein change: p.Arg448fs; shifts the reading frame from arginine 448.
Molecular consequence: frameshift variant.
Genome position (GRCh38, 1-based): chr2:218,814,620-218,814,623, CACC duplicated; duplicating any 4 consecutive bases within chr2:218,814,618-218,814,623 gives the same sequence; the c. name uses the placement nearest the transcript's 3' end. VCF-style (leftmost placement, unchanged base first): chr2-218814617-C-CCCCA. GRCh37 (hg19) VCF-style: chr2-219679340-C-CCCCA.
Other names: short protein forms R448fs.
Identifiers: ClinVar variation 1455066 (VCV001455066.8), dbSNP rs2105981231, ClinGen allele CA2573135323.